The following is an entry in ClinVar:

ClinVar aggregate classification (germline): Pathogenic. Review status: criteria provided, multiple submitters, no conflicts (2 of 4 stars). 2 submissions from 2 submitters: Pathogenic (2). Last evaluated 2026-03-30.

Allele frequency attached by ClinVar (database versions not stated): gnomAD 0.00001; gnomAD exomes 0.00001; TOPMed 0.00001.

Submissions (2):

GeneDx
Classification: Pathogenic. Last evaluated: 2026-03-30. Review status: criteria provided, single submitter. Criteria: GeneDx Variant Classification Process June 2021. Collection method: clinical testing. Allele origin: germline.
Comment: Frameshift variant predicted to result in protein truncation or nonsense mediated decay in a gene for which loss of function is a known mechanism of disease; Not observed at significant frequency in large population cohorts (gnomAD); Has not been previously published as pathogenic or benign to our knowledge

Labcorp Genetics (formerly Invitae), Labcorp
Classification: Pathogenic. Last evaluated: 2023-08-09. Review status: criteria provided, single submitter. Criteria: Invitae Variant Classification Sherloc (09022015). Collection method: clinical testing. Allele origin: germline.
Comment: This variant is present in population databases (no rsID available, gnomAD 0.001%). For these reasons, this variant has been classified as Pathogenic. ClinVar contains an entry for this variant (Variation ID: 2446177). This variant has not been reported in the literature in individuals affected with TELO2-related conditions. This sequence change creates a premature translational stop signal (p.Glu551Glyfs*2) in the TELO2 gene. It is expected to result in an absent or disrupted protein product. Loss-of-function variants in TELO2 are known to be pathogenic (PMID: 28944240).

Literature cited by the submitters: PubMed 28944240 (cited by Labcorp Genetics (formerly Invitae), Labcorp).

NM_016111.4(TELO2):c.1652del (p.Glu551fs)

Gene: TELO2 (telomere maintenance 2; plus strand). Cytogenetic location: 16p13.3.
Variant type: Deletion.
Coding change: c.1652del on transcript NM_016111.4 (MANE Select); coding-DNA position 1652, one base deleted (A; older notation c.1652delA).
Protein change: p.Glu551fs; shifts the reading frame from glutamic acid 551.
Molecular consequence: frameshift variant.
Genome position (GRCh38, 1-based): chr16:1,502,403, A deleted. VCF-style (leftmost placement, unchanged base first): chr16-1502402-GA-G. GRCh37 (hg19) VCF-style: chr16-1552403-GA-G.
Other names: c.1652del, p.Glu551fs (NM_001351846.2); short protein forms E551fs.
Identifiers: ClinVar variation 2446177 (VCV002446177.5), dbSNP rs1468737207, ClinGen allele CA620701085.